The following is an entry in ClinVar:

NM_001165963.4(SCN1A):c.4002+2519A>G

Genes: SCN1A (sodium voltage-gated channel alpha subunit 1; minus strand), LOC102724058 (uncharacterized LOC102724058; plus strand). Cytogenetic location: 2q24.3.
Variant type: single nucleotide variant.
Coding change: c.4002+2519A>G on transcript NM_001165963.4 (MANE Select); 2519 bases into the intron after coding-DNA position 4002, A replaced by G.
Molecular consequence: intron variant.
Genome position (GRCh38, 1-based): chr2:166,007,200, T>C on the plus strand (A>G on the coding strand, the complement: SCN1A is on the minus strand). VCF-style: chr2-166007200-T-C. GRCh37 (hg19) VCF-style: chr2-166863710-T-C.
Other names: c.3969+2519A>G (NM_001353949.2, NM_001353950.2, NM_001353951.2 and 2 more transcripts); c.3918+2519A>G (NM_001353958.2, NM_001353957.2, NM_001165964.3); c.4002+2519A>G (NM_001202435.3, NM_001353948.2); c.3966+2519A>G (NM_001353955.2, NM_001353954.2); c.3915+2519A>G (NM_001353960.2); c.1560+2519A>G (NM_001353961.2).
Identifiers: ClinVar variation 1961052 (VCV001961052.5), dbSNP rs2468470950, ClinGen allele CA2580064262.

ClinVar aggregate classification (germline): Uncertain significance (1 of 4 stars; one submission).

Conditions:
Early-infantile DEE. Also called: Ohtahara syndrome; Early infantile epileptic encephalopathy with suppression bursts; Early infantile epileptic encephalopathy. Identifiers: Orphanet 1934, MedGen C0393706, MONDO:0800491.

Submission:

Labcorp Genetics (formerly Invitae), Labcorp
Classification: Uncertain significance for Early-infantile DEE. Last evaluated: 2024-05-15. Review status: criteria provided, single submitter. Criteria: Invitae Variant Classification Sherloc (09022015). Collection method: clinical testing. Allele origin: germline.
Comment: This sequence change falls in intron 20 of the SCN1A gene. It does not directly change the encoded amino acid sequence of the SCN1A protein. However, this sequence change falls within a region encompassing a cryptic exon in the SCN1A gene, in which variants have been shown to alter splicing (PMID: 30526861, 34107977). This variant is not present in population databases (gnomAD no frequency). This variant has not been reported in the literature in individuals affected with SCN1A-related conditions. ClinVar contains an entry for this variant (Variation ID: 1961052). Algorithms developed to predict the effect of sequence changes on RNA splicing suggest that this variant is not likely to affect RNA splicing. In summary, the available evidence is currently insufficient to determine the role of this variant in disease. Therefore, it has been classified as a Variant of Uncertain Significance.

Literature cited by the submitters: PubMed 30526861; PubMed 34107977.